The following is an entry in ClinVar:

NM_001377.3(DYNC2H1):c.3458G>A (p.Arg1153Gln)

Gene: DYNC2H1 (dynein cytoplasmic 2 heavy chain 1; plus strand). Cytogenetic location: 11q22.3.
Variant type: single nucleotide variant.
Coding change: c.3458G>A on transcript NM_001377.3 (MANE Select); coding-DNA position 3458, G replaced by A.
Protein change: p.Arg1153Gln; replaces arginine 1153 with glutamine.
Molecular consequence: missense variant.
Genome position (GRCh38, 1-based): chr11:103,154,606, G>A. VCF-style: chr11-103154606-G-A. GRCh37 (hg19) VCF-style: chr11-103025335-G-A.
Other names: c.3458G>A, p.Arg1153Gln (NM_001080463.2); short protein forms R1153Q.
Identifiers: ClinVar variation 225004 (VCV000225004.10), dbSNP rs869312924, ClinGen allele CA358158.
Genomic context (GRCh38, chr11:103,154,606, plus strand): 5'-TTTATGAAGAGTTTCAACAAGGATTTCAGGAAATGGCCAATGAAGACTGGATCACTTTTC[G>A]GTTTGATTCAAAAACAATATTTAGACTAATAATTTGGTTGTTTTATTTTTGGATGTAATC-3'
Protein context (NP_001368.2, residues 1143-1163): EMANEDWITF[Arg1153Gln]TKTYLFEEFL

ClinVar aggregate classification (germline): Uncertain significance. Review status: criteria provided, multiple submitters, no conflicts (2 of 4 stars). 3 submissions from 3 submitters: Uncertain significance (3). Last evaluated 2025-07-22.

Conditions:
Inborn genetic diseases. Identifiers: MedGen C0950123, MeSH D030342.
Jeune thoracic dystrophy. Also called: Jeune syndrome; Infantile thoracic dystrophy; Thoracic pelvic phalangeal dystrophy; Jeune's syndrome; Chondroectodermal dysplasia-like syndrome; Short-rib thoracic dysplasia. Identifiers: Orphanet 474, MedGen C0265275, MONDO:0018770.
Asphyxiating thoracic dystrophy 3. Also called: SHORT-RIB THORACIC DYSPLASIA 3 WITH OR WITHOUT POLYDACTYLY; POLYDACTYLY WITH NEONATAL CHONDRODYSTROPHY, TYPE I; SHORT-RIB THORACIC DYSPLASIA 3/6 WITH POLYDACTYLY, DIGENIC; Short rib polydactyly syndrome 2B; Saldino-Noonan Syndrome. Identifiers: Orphanet 474, Orphanet 93269, Orphanet 93270, Orphanet 93271, MedGen C0036069, MONDO:0013127, OMIM 613091.

Allele frequency attached by ClinVar (database versions not stated): gnomAD 0.00001; gnomAD exomes 0.00001.
gnomAD v4.1: 15 of 1,588,708 alleles (0.00094%); highest among the groups gnomAD compares: Admixed American, 0.0018%; no homozygotes.

Submissions (3):

Ambry Genetics
Classification: Uncertain significance for Inborn genetic diseases. Last evaluated: 2025-07-22. Review status: criteria provided, single submitter. Criteria: Ambry Variant Classification Scheme 2023. Collection method: clinical testing. Allele origin: germline.
Comment: The c.3458G>A (p.R1153Q) alteration is located in exon 23 (coding exon 23) of the DYNC2H1 gene. This alteration results from a G to A substitution at nucleotide position 3458, causing the arginine (R) at amino acid position 1153 to be replaced by a glutamine (Q). However, this change occurs in the last base pair of coding exon 23, which makes it likely to have some effect on normal mRNA splicing. Based on data from gnomAD, the A allele has an overall frequency of <0.001% (1/214384) total alleles studied. The highest observed frequency was 0.005% (1/20436) of European (Finnish) alleles. This variant has been identified in conjunction with another DYNC2H1 variant in an individual with features consistent with DYNC2H1-related skeletal ciliopathy (Farwell, 2015). This nucleotide and amino acid position is highly conserved in available vertebrate species. The in silico prediction for this amino acid alteration is inconclusive. In silico splice site analysis predicts that this nucleotide alteration will weaken the native splice donor site. Based on insufficient or conflicting evidence, the clinical significance of this alteration remains unclear.

Labcorp Genetics (formerly Invitae), Labcorp
Classification: Uncertain significance for Jeune thoracic dystrophy. Last evaluated: 2022-06-06. Review status: criteria provided, single submitter. Criteria: Invitae Variant Classification Sherloc (09022015). Collection method: clinical testing. Allele origin: germline.
Comment: The frequency data for this variant in the population databases is considered unreliable, as metrics indicate poor data quality at this position in the gnomAD database. In summary, the available evidence is currently insufficient to determine the role of this variant in disease. Therefore, it has been classified as a Variant of Uncertain Significance. Variants that disrupt the consensus splice site are a relatively common cause of aberrant splicing (PMID: 17576681, 9536098). Algorithms developed to predict the effect of sequence changes on RNA splicing suggest that this variant may disrupt the consensus splice site. Algorithms developed to predict the effect of missense changes on protein structure and function (SIFT, PolyPhen-2, Align-GVGD) all suggest that this variant is likely to be disruptive. ClinVar contains an entry for this variant (Variation ID: 225004). This missense change has been observed in individual(s) with clinical features of DYNC2H1-related conditions (PMID: 25356970). This sequence change replaces arginine, which is basic and polar, with glutamine, which is neutral and polar, at codon 1153 of the DYNC2H1 protein (p.Arg1153Gln). This variant also falls at the last nucleotide of exon 23, which is part of the consensus splice site for this exon.

Juno Genomics, Hangzhou Juno Genomics, Inc
Classification: Uncertain significance for Asphyxiating thoracic dystrophy 3. Review status: criteria provided, single submitter. Criteria: ACMG Guidelines, 2015. Collection method: clinical testing. Allele origin: germline. Affected: yes.
Comment: Absent from controls (or at extremely low frequency if recessive) in Genome Aggregation Database, Exome Sequencing Project, 1000 Genomes Project, or Exome Aggregation Consortium.

Literature cited by the submitters: PubMed 25356970 (cited by Ambry Genetics and Labcorp Genetics (formerly Invitae), Labcorp); PubMed 17576681 (cited by Labcorp Genetics (formerly Invitae), Labcorp); PubMed 9536098 (cited by Labcorp Genetics (formerly Invitae), Labcorp).